The following is an entry in ClinVar:

NM_002772.3(TMPRSS15):c.2505C>A (p.Ser835=)

Gene: TMPRSS15 (transmembrane serine protease 15; minus strand). Cytogenetic location: 21q21.1.
Variant type: single nucleotide variant.
Coding change: c.2505C>A on transcript NM_002772.3 (MANE Select); coding-DNA position 2505, C replaced by A.
Protein change: p.Ser835=; no amino-acid change (serine 835 retained).
Molecular consequence: synonymous variant.
Genome position (GRCh38, 1-based): chr21:18,281,203, G>T on the plus strand (C>A on the coding strand, the complement: TMPRSS15 is on the minus strand). VCF-style: chr21-18281203-G-T. GRCh37 (hg19) VCF-style: chr21-19653520-G-T.
Other names: c.2505C>A (NM_002772.2).
Identifiers: ClinVar variation 2414283 (VCV002414283.9), dbSNP rs147684105, ClinGen allele CA9984012.
Genomic context (GRCh38, chr21:18,281,203, plus strand): 5'-GACTGTTTGAGGAGAGGTCAGATTTGATTTCATATGCAGGCCTAGGATTGCTGTCCACTT[G>T]GATGGCTCTAAGTTTCTCCTGAAAATTGTAATGAAGAAATATGAGACACTCTCCATCCAA-3'
Protein context (NP_002763.3, residues 825-845): HCVYGRNLEP[Ser835=]KWTAILGLHM

ClinVar aggregate classification (germline): Likely benign. Review status: criteria provided, single submitter (1 of 4 stars). 2 submissions from 2 submitters: Likely benign (1). 1 of the submissions does not count toward it. Last evaluated 2025-12-16.

Conditions:
TMPRSS15-related disorder. Also called: TMPRSS15-related condition.

Allele frequency attached by ClinVar (database versions not stated): gnomAD 0.00001; TOPMed 0.00002; ExAC 0.00003; 1000 Genomes Project 30x 0.00016; 1000 Genomes Project 0.00020.
gnomAD v4.1: 33 of 1,613,902 alleles (0.002%); highest among the groups gnomAD compares: East Asian, 0.058%; no homozygotes.

Submissions (2):

Labcorp Genetics (formerly Invitae), Labcorp
Classification: Likely benign. Last evaluated: 2025-12-16. Review status: criteria provided, single submitter. Criteria: Invitae Variant Classification Sherloc (09022015). Collection method: clinical testing. Allele origin: germline.

PreventionGenetics, part of Exact Sciences
Classification: Likely benign for TMPRSS15-related condition. Last evaluated: 2019-05-15. Review status: no assertion criteria provided. Collection method: clinical testing. Allele origin: germline. Not counted in ClinVar's aggregate classification.
Comment: This variant is classified as likely benign based on ACMG/AMP sequence variant interpretation guidelines (Richards et al. 2015 PMID: 25741868, with internal and published modifications).